The following is an entry in ClinVar:

ClinVar aggregate classification (germline): Likely benign (1 of 4 stars; one submission).

Conditions:
PTPRJ-related disorder. Also called: PTPRJ-related condition.

gnomAD v4.1: 230 of 1,613,934 alleles (0.014%); highest among the groups gnomAD compares: African/African-American, 0.079%; 1 homozygote.

Submission:

PreventionGenetics, part of Exact Sciences
Classification: Likely benign for PTPRJ-related condition. Last evaluated: 2024-12-04. Review status: criteria provided, single submitter. Criteria: ACMG Guidelines, 2015. Collection method: clinical testing. Allele origin: germline.
Comment: This variant is classified as likely benign based on ACMG/AMP sequence variant interpretation guidelines (Richards et al. 2015 PMID: 25741868, with internal and published modifications).

NM_002843.4(PTPRJ):c.3738G>A (p.Thr1246=)

Gene: PTPRJ (protein tyrosine phosphatase receptor type J; plus strand). Cytogenetic location: 11p11.2.
Variant type: single nucleotide variant.
Coding change: c.3738G>A on transcript NM_002843.4 (MANE Select); coding-DNA position 3738, G replaced by A.
Protein change: p.Thr1246=; no amino-acid change (threonine 1246 retained).
Molecular consequence: synonymous variant.
Genome position (GRCh38, 1-based): chr11:48,164,398, G>A. VCF-style: chr11-48164398-G-A. GRCh37 (hg19) VCF-style: chr11-48185950-G-A.
Identifiers: ClinVar variation 4980647 (VCV004980647.1).
Genomic context (GRCh38, chr11:48,164,398, plus strand): 5'-GAGGGAACCCACTGTAATAGGCTTATTTCTCTTTTCTCTCAGTGCTGGGGTCGGAAGGAC[G>A]GGCACTTTCATTGCCATTGATCGTCTCATCTACCAGATAGAGAATGAGAACACCGTGGAT-3'
Protein context (NP_002834.3, residues 1236-1256): LVHCSAGVGR[Thr1246=]GTFIAIDRLI